The following is an entry in ClinVar:

ClinVar aggregate classification (germline): Uncertain significance. Review status: criteria provided, multiple submitters, no conflicts (2 of 4 stars). 2 submissions from 2 submitters: Uncertain significance (2). Last evaluated 2025-11-18.

Conditions:
Hereditary cancer-predisposing syndrome. Also called: Hereditary neoplastic syndrome; Tumor predisposition; Neoplastic Syndromes, Hereditary; Hereditary Cancer Syndrome. Identifiers: Orphanet 140162, MedGen C0027672, MeSH D009386, MONDO:0015356.
Neuroblastoma, susceptibility to, 3. Also called: ALK-Related Neuroblastic Tumor Susceptibility. Identifiers: Orphanet 635, MedGen C2751681, MONDO:0013083, OMIM 613014.

Submissions (2):

Labcorp Genetics (formerly Invitae), Labcorp
Classification: Uncertain significance for Neuroblastoma, susceptibility to, 3. Last evaluated: 2025-11-18. Review status: criteria provided, single submitter. Criteria: Invitae Variant Classification Sherloc (09022015). Collection method: clinical testing. Allele origin: germline.
Comment: This sequence change replaces glycine, which is neutral and non-polar, with alanine, which is neutral and non-polar, at codon 1269 of the ALK protein (p.Gly1269Ala). This variant is not present in population databases (gnomAD no frequency). This variant has not been reported in the literature in individuals affected with ALK-related conditions. ClinVar contains an entry for this variant (Variation ID: 376132). An algorithm developed to predict the effect of missense changes on protein structure and function (PolyPhen-2) suggests that this variant is likely to be disruptive. In summary, the available evidence is currently insufficient to determine the role of this variant in disease. Therefore, it has been classified as a Variant of Uncertain Significance.

Ambry Genetics
Classification: Uncertain significance for Hereditary cancer-predisposing syndrome. Last evaluated: 2023-05-25. Review status: criteria provided, single submitter. Criteria: Ambry Variant Classification Scheme 2023. Collection method: clinical testing. Allele origin: germline.
Comment: The p.G1269A variant (also known as c.3806G>C), located in coding exon 25 of the ALK gene, results from a G to C substitution at nucleotide position 3806. The glycine at codon 1269 is replaced by alanine, an amino acid with similar properties. This amino acid position is highly conserved in available vertebrate species. In addition, the in silico prediction for this alteration is inconclusive. Since supporting evidence is limited at this time, the clinical significance of this alteration remains unclear.

NM_004304.5(ALK):c.3806G>C (p.Gly1269Ala)

Gene: ALK (ALK receptor tyrosine kinase; minus strand). Cytogenetic location: 2p23.2.
Variant type: single nucleotide variant.
Coding change: c.3806G>C on transcript NM_004304.5 (MANE Select); coding-DNA position 3806, G replaced by C.
Protein change: p.Gly1269Ala; replaces glycine 1269 with alanine.
Molecular consequence: missense variant.
Genome position (GRCh38, 1-based): chr2:29,209,816, C>G on the plus strand (G>C on the coding strand, the complement: ALK is on the minus strand). VCF-style: chr2-29209816-C-G. GRCh37 (hg19) VCF-style: chr2-29432682-C-G.
Other names: c.602G>C, p.Gly201Ala (NM_001353765.2); c.3806G>C (NM_004304.4); short protein forms G1269A, G201A.
Identifiers: ClinVar variation 376132 (VCV000376132.4), dbSNP rs1057519781, ClinGen allele CA16602590.